The following is an entry in ClinVar:

ClinVar aggregate classification (germline): Benign. Review status: criteria provided, multiple submitters, no conflicts (2 of 4 stars). 2 submissions from 2 submitters: Benign (2). Last evaluated 2018-06-14.

Allele frequency attached by ClinVar (database versions not stated): gnomAD exomes 0.13323; gnomAD 0.15405 and 0.15581; 1000 Genomes Project 0.17612; 1000 Genomes Project 30x 0.17567; TOPMed 0.15877.
gnomAD v4.1: 149,578 of 1,095,936 alleles (14%); highest among the groups gnomAD compares: East Asian, 27%; 11,186 homozygotes.

Submissions (2):

GeneDx
Classification: Benign. Last evaluated: 2018-06-14. Review status: criteria provided, single submitter. Criteria: GeneDx Variant Classification (06012015). Collection method: clinical testing. Allele origin: germline. Affected: yes.
Comment: This variant is considered likely benign or benign based on one or more of the following criteria: it is a conservative change, it occurs at a poorly conserved position in the protein, it is predicted to be benign by multiple in silico algorithms, and/or has population frequency not consistent with disease.

Breakthrough Genomics
Classification: Benign. Review status: criteria provided, single submitter. Criteria: ACMG Guidelines, 2015. Collection method: not provided. Allele origin: germline. Inheritance: Autosomal recessive inheritance. Affected: yes.

NM_145693.2(LPIN1):c.-32795G>A

Gene: LPIN1 (lipin 1; plus strand). Cytogenetic location: 2p25.1.
Variant type: single nucleotide variant.
Coding change: c.-32795G>A on transcript NM_145693.2; 32795 bases upstream of the start codon, G replaced by A.
Molecular consequence: intron variant (on NM_001261428.3).
Genome position (GRCh38, 1-based): chr2:11,713,886, G>A. VCF-style: chr2-11713886-G-A. GRCh37 (hg19) VCF-style: chr2-11854012-G-A.
Other names: c.138+74G>A (NM_001261428.3, NM_001349208.2); c.81+36158G>A (NM_001349207.2).
Identifiers: ClinVar variation 670695 (VCV000670695.4), dbSNP rs10182021, ClinGen allele CA11333061.